The following is an entry in ClinVar:

ClinVar aggregate classification (germline): Likely pathogenic (1 of 4 stars; one submission).

Conditions:
Hereditary cancer-predisposing syndrome. Also called: Tumor predisposition; Hereditary neoplastic syndrome; Hereditary Cancer Syndrome; Neoplastic Syndromes, Hereditary. Identifiers: Orphanet 140162, MedGen C0027672, MeSH D009386, MONDO:0015356.

Submission:

Ambry Genetics
Classification: Likely pathogenic for Hereditary cancer-predisposing syndrome. Last evaluated: 2026-02-02. Review status: criteria provided, single submitter. Criteria: Ambry Variant Classification Scheme 2023. Collection method: clinical testing. Allele origin: germline.
Comment: The p.I151L variant (also known as c.451A>C), located in coding exon 2 of the VHL gene, results from an A to C substitution at nucleotide position 451. The isoleucine at codon 151 is replaced by leucine, an amino acid with highly similar properties. This variant was reported in individual(s) with features consistent with von Hippel-Lindau syndrome (Ambry internal data). This variant was determined to be functionally deleterious in one saturation genome editing assay (Buckley M et al. Nat Genet, 2024 Jul;56:1446-1455). Based on internal structural analysis, this variant is anticipated to result in a significant decrease in structural stability and it is more disruptive than known pathogenic variants (Ambry internal data). This amino acid position is highly conserved in available vertebrate species. In addition, this alteration is predicted to be deleterious by in silico analysis. Based on the majority of available evidence to date, this variant is likely to be pathogenic.

Literature cited by the submitters: PubMed 38969834.

NM_000551.4(VHL):c.451A>C (p.Ile151Leu)

Genes: VHL (von Hippel-Lindau tumor suppressor; plus strand), LOC107303340 (3p25 von Hippel-Lindau tumor suppressor, E3 ubiquitin protein ligase Alu-mediated recombination region; plus strand). Cytogenetic location: 3p25.3.
Variant type: single nucleotide variant.
Coding change: c.451A>C on transcript NM_000551.4 (MANE Select); coding-DNA position 451, A replaced by C.
Protein change: p.Ile151Leu; replaces isoleucine 151 with leucine.
Molecular consequence: missense variant. On other transcripts: intron variant (2).
Genome position (GRCh38, 1-based): chr3:10,146,624, A>C. VCF-style: chr3-10146624-A-C. GRCh37 (hg19) VCF-style: chr3-10188308-A-C.
Other names: c.*18-3163A>C (NM_001354723.2); c.341-3163A>C (NM_198156.3); short protein forms I151L.
Identifiers: ClinVar variation 231711 (VCV000231711.6), dbSNP rs876659313, ClinGen allele CA10578182.
Genomic context (GRCh38, chr3:10,146,624, plus strand): 5'-AACCAAACTGAATTATTTGTGCCATCTCTCAATGTTGACGGACAGCCTATTTTTGCCAAT[A>C]TCACACTGCCAGGTACTGACGTTTTACTTTTTAAAAAGATAAGGTTGTTGTGGTAAGTAC-3'
Protein context (NP_000542.1, residues 141-161): NVDGQPIFAN[Ile151Leu]TLPVYTLKER